The following is an entry in ClinVar:

ClinVar aggregate classification (germline): Uncertain significance (1 of 4 stars; one submission).

Conditions:
Schimke immuno-osseous dysplasia (SIOD). Also called: Schimke Immunoosseous Dysplasia. Identifiers: Orphanet 1830, MedGen C0877024, MONDO:0009458, OMIM 242900.

Submission:

Labcorp Genetics (formerly Invitae), Labcorp
Classification: Uncertain significance for Schimke immuno-osseous dysplasia. Last evaluated: 2023-08-02. Review status: criteria provided, single submitter. Criteria: Invitae Variant Classification Sherloc (09022015). Collection method: clinical testing. Allele origin: germline.
Comment: In summary, the available evidence is currently insufficient to determine the role of this variant in disease. Therefore, it has been classified as a Variant of Uncertain Significance. Advanced modeling of protein sequence and biophysical properties (such as structural, functional, and spatial information, amino acid conservation, physicochemical variation, residue mobility, and thermodynamic stability) performed at Invitae indicates that this missense variant is not expected to disrupt SMARCAL1 protein function. This variant has not been reported in the literature in individuals affected with SMARCAL1-related conditions. This variant is not present in population databases (gnomAD no frequency). This sequence change replaces glutamine, which is neutral and polar, with arginine, which is basic and polar, at codon 249 of the SMARCAL1 protein (p.Gln249Arg).

NM_014140.4(SMARCAL1):c.746A>G (p.Gln249Arg)

Gene: SMARCAL1 (SNF2 related chromatin remodeling annealing helicase 1; plus strand). Cytogenetic location: 2q35.
Variant type: single nucleotide variant.
Coding change: c.746A>G on transcript NM_014140.4 (MANE Select); coding-DNA position 746, A replaced by G.
Protein change: p.Gln249Arg; replaces glutamine 249 with arginine.
Molecular consequence: missense variant.
Genome position (GRCh38, 1-based): chr2:216,415,450, A>G. VCF-style: chr2-216415450-A-G. GRCh37 (hg19) VCF-style: chr2-217280173-A-G.
Other names: c.746A>G, p.Gln249Arg (NM_001127207.2); short protein forms Q249R.
Identifiers: ClinVar variation 2815006 (VCV002815006.3), dbSNP rs2469612059, ClinGen allele CA350497961.